The following is an entry in ClinVar:

ClinVar aggregate classification (germline): Uncertain significance (1 of 4 stars; one submission).

gnomAD v4.1: 1 of 1,613,974 alleles (0.000062%); highest among the groups gnomAD compares: Non-Finnish European, 0.000085%; no homozygotes.

Submission:

CeGaT Center for Human Genetics Tuebingen
Classification: Uncertain significance. Last evaluated: 2026-07-01. Review status: criteria provided, single submitter. Criteria: CeGaT Center For Human Genetics Tuebingen Variant Classification Criteria Version 2. Collection method: clinical testing. Allele origin: germline. Affected: yes. Observed: 1 variant allele.
Comment: LRRC32: PM2, BP4

NM_001128922.2(LRRC32):c.868A>G (p.Ile290Val)

Genes: LRRC32 (leucine rich repeat containing 32; minus strand), LRRC32-AS1 (LRRC32 antisense RNA 1; plus strand). Cytogenetic location: 11q13.5.
Variant type: single nucleotide variant.
Coding change: c.868A>G on transcript NM_001128922.2 (MANE Select); coding-DNA position 868, A replaced by G.
Protein change: p.Ile290Val; replaces isoleucine 290 with valine.
Molecular consequence: missense variant. On other transcripts: non-coding transcript variant (1), intron variant (1).
Genome position (GRCh38, 1-based): chr11:76,660,725, T>C on the plus strand (A>G on the coding strand, the complement: LRRC32 is on the minus strand). VCF-style: chr11-76660725-T-C. GRCh37 (hg19) VCF-style: chr11-76371769-T-C.
Other names: c.868A>G, p.Ile290Val (NM_001370187.1, NM_001370188.1, NM_005512.3); c.802A>G, p.Ile268Val (NM_001370189.1); c.538A>G, p.Ile180Val (NM_001370190.1); c.85-2691A>G (NM_001370191.1); short protein forms I180V, I268V, I290V.
Identifiers: ClinVar variation 5040137 (VCV005040137.1).